The following is an entry in ClinVar:

NM_001252024.2(TRPM1):c.4161T>A (p.Asp1387Glu)

Gene: TRPM1 (transient receptor potential cation channel subfamily M member 1; minus strand). Cytogenetic location: 15q13.3.
Variant type: single nucleotide variant.
Coding change: c.4161T>A on transcript NM_001252024.2 (MANE Select); coding-DNA position 4161, T replaced by A.
Protein change: p.Asp1387Glu; replaces aspartic acid 1387 with glutamic acid.
Molecular consequence: missense variant.
Genome position (GRCh38, 1-based): chr15:31,002,539, A>T on the plus strand (T>A on the coding strand, the complement: TRPM1 is on the minus strand). VCF-style: chr15-31002539-A-T. GRCh37 (hg19) VCF-style: chr15-31294742-A-T.
Other names: c.4212T>A, p.Asp1404Glu (NM_001252020.2); c.4095T>A, p.Asp1365Glu (NM_002420.6); short protein forms D1365E, D1387E, D1404E.
Identifiers: ClinVar variation 1957270 (VCV001957270.3), dbSNP rs1403956943, ClinGen allele CA391527655.

ClinVar aggregate classification (germline): Uncertain significance (1 of 4 stars; one submission).

Allele frequency attached by ClinVar (database versions not stated): TOPMed below 0.00001; gnomAD exomes 0.00001.
gnomAD v4.1: 4 of 1,614,094 alleles (0.00025%); highest among the groups gnomAD compares: Admixed American, 0.0067%; no homozygotes.

Submission:

Labcorp Genetics (formerly Invitae), Labcorp
Classification: Uncertain significance. Last evaluated: 2022-04-17. Review status: criteria provided, single submitter. Criteria: Invitae Variant Classification Sherloc (09022015). Collection method: clinical testing. Allele origin: germline.
Comment: This sequence change replaces aspartic acid, which is acidic and polar, with glutamic acid, which is acidic and polar, at codon 1365 of the TRPM1 protein (p.Asp1365Glu). This variant is present in population databases (no rsID available, gnomAD 0.003%). This variant has not been reported in the literature in individuals affected with TRPM1-related conditions. Algorithms developed to predict the effect of missense changes on protein structure and function (SIFT, PolyPhen-2, Align-GVGD) all suggest that this variant is likely to be tolerated. In summary, the available evidence is currently insufficient to determine the role of this variant in disease. Therefore, it has been classified as a Variant of Uncertain Significance.